The following is an entry in ClinVar:

ClinVar aggregate classification (germline): Pathogenic. Review status: criteria provided, multiple submitters, no conflicts (2 of 4 stars). 2 submissions from 2 submitters: Pathogenic (2). Last evaluated 2022-02-02.

Conditions:
Neurofibromatosis, type 1 (NF1). Also called: VON RECKLINGHAUSEN DISEASE; NEUROFIBROMATOSIS, TYPE I, SOMATIC; Peripheral type neurofibromatosis; Neurofibromatosis, type I. Identifiers: Orphanet 636, MedGen C0027831, MONDO:0018975, OMIM 162200. Disease mechanism: loss of function.
Neurofibromatosis, familial spinal (FSNF). Identifiers: Orphanet 636, MedGen C1834235, MONDO:0008078, OMIM 162210. Disease mechanism: loss of function.
Juvenile myelomonocytic leukemia (JMML). Also called: LEUKEMIA, JUVENILE MYELOMONOCYTIC, SOMATIC. Identifiers: Orphanet 86834, MedGen C0349639, MONDO:0011908, OMIM 607785, HP:0012209.
Neurofibromatosis-Noonan syndrome (NFNS). Also called: NEUROFIBROMATOSIS WITH NOONAN PHENOTYPE. Identifiers: Orphanet 638, MedGen C2931482, MONDO:0011035, OMIM 601321. Disease mechanism: loss of function.
Café-au-lait macules with pulmonary stenosis (WTSN). Also called: PULMONIC STENOSIS WITH CAFE-AU-LAIT SPOTS. Identifiers: MedGen C0553586, MONDO:0008672, OMIM 193520.

Submissions (2):

Labcorp Genetics (formerly Invitae), Labcorp
Classification: Pathogenic for Neurofibromatosis, type 1. Last evaluated: 2022-02-02. Review status: criteria provided, single submitter. Criteria: Invitae Variant Classification Sherloc (09022015). Collection method: clinical testing. Allele origin: germline.
Comment: This sequence change creates a premature translational stop signal (p.Ser2136*) in the NF1 gene. It is expected to result in an absent or disrupted protein product. Loss-of-function variants in NF1 are known to be pathogenic (PMID: 10712197, 23913538). This variant is not present in population databases (gnomAD no frequency). This premature translational stop signal has been observed in individual(s) with clinical features of neurofibromatosis type 1 (PMID: 23913538). For these reasons, this variant has been classified as Pathogenic.

Juno Genomics, Hangzhou Juno Genomics, Inc
Classification: Pathogenic for Neurofibromatosis, type 1; Juvenile myelomonocytic leukemia; Neurofibromatosis, familial spinal; Neurofibromatosis-Noonan syndrome; Café-au-lait macules with pulmonary stenosis. Review status: criteria provided, single submitter. Criteria: ACMG Guidelines, 2015. Collection method: clinical testing. Allele origin: germline.
Comment: Null variant in a gene where loss of function (LOF) is a known mechanism of disease.;Absent from controls (or at extremely low frequency if recessive) in Genome Aggregation Database.;Patient's phenotype or family history is highly specific for a disease with a single genetic etiology.

Literature cited by the submitters: PubMed 10712197 (cited by Labcorp Genetics (formerly Invitae), Labcorp); PubMed 23913538 (cited by Labcorp Genetics (formerly Invitae), Labcorp).

NM_001042492.3(NF1):c.6470C>A (p.Ser2157Ter)

Gene: NF1 (neurofibromin 1; plus strand). Cytogenetic location: 17q11.2.
Variant type: single nucleotide variant.
Coding change: c.6470C>A on transcript NM_001042492.3 (MANE Select); coding-DNA position 6470, C replaced by A.
Protein change: p.Ser2157Ter; replaces serine 2157 with a stop codon.
Molecular consequence: nonsense.
Genome position (GRCh38, 1-based): chr17:31,337,410, C>A. VCF-style: chr17-31337410-C-A. GRCh37 (hg19) VCF-style: chr17-29664428-C-A.
Other names: c.6407C>A, p.Ser2136Ter (NM_000267.4); short protein forms S2136*, S2157*.
Identifiers: ClinVar variation 2092079 (VCV002092079.6), dbSNP rs774161532, ClinGen allele CA399013079.